The following is an entry in ClinVar:

NM_001122764.3(PPOX):c.650G>A (p.Arg217His)

Gene: PPOX (protoporphyrinogen oxidase; plus strand). Cytogenetic location: 1q23.3.
Variant type: single nucleotide variant.
Coding change: c.650G>A on transcript NM_001122764.3 (MANE Select); coding-DNA position 650, G replaced by A.
Protein change: p.Arg217His; replaces arginine 217 with histidine.
Molecular consequence: missense variant.
Genome position (GRCh38, 1-based): chr1:161,169,026, G>A. VCF-style: chr1-161169026-G-A. GRCh37 (hg19) VCF-style: chr1-161138816-G-A.
Other names: c.650G>A, p.Arg217His (NM_000309.5, NM_001365398.1, NM_001365399.1); c.551G>A, p.Arg184His (NM_001350128.2); c.242G>A, p.Arg81His (NM_001350129.2, NM_001365400.1); c.164G>A, p.Arg55His (NM_001350130.2, NM_001350131.2, NM_001365401.1); short protein forms R184H, R217H, R55H, R81H.
Identifiers: ClinVar variation 1062880 (VCV001062880.9), dbSNP rs142407722, ClinGen allele CA1207218.

ClinVar aggregate classification (germline): Uncertain significance (1 of 4 stars; one submission).

Allele frequency attached by ClinVar (database versions not stated): gnomAD 0.00001; TOPMed 0.00002.

Submission:

Labcorp Genetics (formerly Invitae), Labcorp
Classification: Uncertain significance. Last evaluated: 2020-03-08. Review status: criteria provided, single submitter. Criteria: Invitae Variant Classification Sherloc (09022015). Collection method: clinical testing. Allele origin: germline.
Comment: In summary, the available evidence is currently insufficient to determine the role of this variant in disease. Therefore, it has been classified as a Variant of Uncertain Significance. This variant disrupts the p.Arg217 amino acid residue in PPOX. Other variant(s) that disrupt this residue have been observed in individuals with PPOX-related conditions (PMID: 12380696, Invitae), which suggests that this may be a clinically significant amino acid residue. Algorithms developed to predict the effect of missense changes on protein structure and function output the following: SIFT: "Tolerated"; PolyPhen-2: "Benign"; Align-GVGD: "Class C0". The histidine amino acid residue is found in multiple mammalian species, suggesting that this missense change does not adversely affect protein function. These predictions have not been confirmed by published functional studies and their clinical significance is uncertain. This variant has been observed in individual(s) with variegate porphyria (Invitae). This variant is present in population databases (rs142407722, ExAC 0.03%). This sequence change replaces arginine with histidine at codon 217 of the PPOX protein (p.Arg217His). The arginine residue is moderately conserved and there is a small physicochemical difference between arginine and histidine.

Literature cited by the submitters: PubMed 12380696.